The following is an entry in ClinVar:

ClinVar aggregate classification (germline): Uncertain significance. Review status: criteria provided, multiple submitters, no conflicts (2 of 4 stars). 2 submissions from 2 submitters: Uncertain significance (2). Last evaluated 2022-10-14.

Conditions:
Hereditary cancer-predisposing syndrome. Also called: Tumor predisposition; Neoplastic Syndromes, Hereditary; Hereditary Cancer Syndrome; Hereditary neoplastic syndrome. Identifiers: Orphanet 140162, MedGen C0027672, MeSH D009386, MONDO:0015356.
Familial melanoma. Also called: Hereditary melanoma; Hereditary cutaneous melanoma. Identifiers: Orphanet 618, MedGen C1512419, MONDO:0018961.

Allele frequency attached by ClinVar (database versions not stated): gnomAD exomes below 0.00001.
gnomAD v4.1: 1 of 1,606,426 alleles (0.000062%); highest among the groups gnomAD compares: African/African-American, 0.0013%; no homozygotes.

Submissions (2):

Ambry Genetics
Classification: Uncertain significance for Hereditary cancer-predisposing syndrome. Last evaluated: 2022-10-14. Review status: criteria provided, single submitter. Criteria: Ambry Variant Classification Scheme 2023. Collection method: clinical testing. Allele origin: germline.
Comment: The p.L30F variant (also known as c.88C>T), located in coding exon 1 of the CDKN2A (p14ARF) gene, results from a C to T substitution at nucleotide position 88. The leucine at codon 30 is replaced by phenylalanine, an amino acid with highly similar properties. This amino acid position is poorly conserved in available vertebrate species. In addition, this alteration is predicted to be tolerated by in silico analysis. Since supporting evidence is limited at this time, the clinical significance of this alteration remains unclear.

Labcorp Genetics (formerly Invitae), Labcorp
Classification: Uncertain significance for Familial melanoma. Last evaluated: 2021-10-14. Review status: criteria provided, single submitter. Criteria: Invitae Variant Classification Sherloc (09022015). Collection method: clinical testing. Allele origin: germline.

NM_058195.4(CDKN2A):c.88C>T (p.Leu30Phe)

Gene: CDKN2A (cyclin dependent kinase inhibitor 2A; minus strand). Cytogenetic location: 9p21.3.
Variant type: single nucleotide variant.
Coding change: c.88C>T on transcript NM_058195.4 (MANE Plus Clinical); coding-DNA position 88, C replaced by T.
Protein change: p.Leu30Phe; replaces leucine 30 with phenylalanine.
Molecular consequence: missense variant. On other transcripts: intron variant (1).
Genome position (GRCh38, 1-based): chr9:21,994,244, G>A on the plus strand (C>T on the coding strand, the complement: CDKN2A is on the minus strand). VCF-style: chr9-21994244-G-A. GRCh37 (hg19) VCF-style: chr9-21994243-G-A.
Other names: c.-4+577C>T (NM_001363763.2); short protein forms L30F.
Identifiers: ClinVar variation 1387453 (VCV001387453.6), dbSNP rs2131148620, ClinGen allele CA373086967.
Genomic context (GRCh38, chr9:21,994,244, plus strand): 5'-GTAGCATCAGCACGAGGGCCACAGCGGCGGGCGCCCCTGGCGCTGCCCACTCCCCCGTGA[G>A]CCGCGGGATGTGAACCACGAAAACCCTCACTCGCGGCGGGCCGCACGCGCGCCGAATCCG-3'
Protein context (NP_478102.2, residues 20-40): VRVFVVHIPR[Leu30Phe]TGEWAAPGAP